The following is an entry in ClinVar:

ClinVar aggregate classification (germline): Uncertain significance (1 of 4 stars; one submission).

gnomAD v4.1: 31 of 1,575,922 alleles (0.002%); highest among the groups gnomAD compares: Non-Finnish European, 0.0026%; no homozygotes.

Submission:

Labcorp Genetics (formerly Invitae), Labcorp
Classification: Uncertain significance. Last evaluated: 2023-07-18. Review status: criteria provided, single submitter. Criteria: Invitae Variant Classification Sherloc (09022015). Collection method: clinical testing. Allele origin: germline.
Comment: This sequence change replaces glycine, which is neutral and non-polar, with aspartic acid, which is acidic and polar, at codon 98 of the FOXA2 protein (p.Gly98Asp). This variant is not present in population databases (gnomAD no frequency). In summary, the available evidence is currently insufficient to determine the role of this variant in disease. Therefore, it has been classified as a Variant of Uncertain Significance. An algorithm developed to predict the effect of missense changes on protein structure and function (PolyPhen-2) suggests that this variant is likely to be tolerated. This variant has not been reported in the literature in individuals affected with FOXA2-related conditions.

NM_021784.5(FOXA2):c.293G>A (p.Gly98Asp)

Gene: FOXA2 (forkhead box A2; minus strand). Cytogenetic location: 20p11.21.
Variant type: single nucleotide variant.
Coding change: c.293G>A on transcript NM_021784.5 (MANE Select); coding-DNA position 293, G replaced by A.
Protein change: p.Gly98Asp; replaces glycine 98 with aspartic acid.
Molecular consequence: missense variant.
Genome position (GRCh38, 1-based): chr20:22,582,949, C>T on the plus strand (G>A on the coding strand, the complement: FOXA2 is on the minus strand). VCF-style: chr20-22582949-C-T. GRCh37 (hg19) VCF-style: chr20-22563587-C-T.
Other names: c.275G>A, p.Gly92Asp (NM_153675.3); short protein forms G92D, G98D.
Identifiers: ClinVar variation 2961403 (VCV002961403.3), dbSNP rs997604728, ClinGen allele CA313137801.